The following is an entry in ClinVar:

ClinVar aggregate classification (germline): Uncertain significance (1 of 4 stars; one submission).

Allele frequency attached by ClinVar (database versions not stated): ExAC 0.00001; gnomAD exomes 0.00001; TOPMed 0.00001.
gnomAD v4.1: 4 of 1,613,926 alleles (0.00025%); highest among the groups gnomAD compares: East Asian, 0.0045%; no homozygotes.

Submission:

Labcorp Genetics (formerly Invitae), Labcorp
Classification: Uncertain significance. Last evaluated: 2023-12-11. Review status: criteria provided, single submitter. Criteria: Invitae Variant Classification Sherloc (09022015). Collection method: clinical testing. Allele origin: germline.
Comment: This sequence change replaces histidine, which is basic and polar, with arginine, which is basic and polar, at codon 16 of the RFWD3 protein (p.His16Arg). The frequency data for this variant in the population databases is considered unreliable, as metrics indicate poor data quality at this position in the gnomAD database. This variant has not been reported in the literature in individuals affected with RFWD3-related conditions. An algorithm developed to predict the effect of missense changes on protein structure and function (PolyPhen-2) suggests that this variant is likely to be tolerated. In summary, the available evidence is currently insufficient to determine the role of this variant in disease. Therefore, it has been classified as a Variant of Uncertain Significance.

NM_018124.4(RFWD3):c.47A>G (p.His16Arg)

Gene: RFWD3 (ring finger and WD repeat domain 3; minus strand). Cytogenetic location: 16q23.1.
Variant type: single nucleotide variant.
Coding change: c.47A>G on transcript NM_018124.4 (MANE Select); coding-DNA position 47, A replaced by G.
Protein change: p.His16Arg; replaces histidine 16 with arginine.
Molecular consequence: missense variant. On other transcripts: 5 prime UTR variant (4), intron variant (1).
Genome position (GRCh38, 1-based): chr16:74,661,403, T>C on the plus strand (A>G on the coding strand, the complement: RFWD3 is on the minus strand). VCF-style: chr16-74661403-T-C. GRCh37 (hg19) VCF-style: chr16-74695301-T-C.
Other names: c.47A>G, p.His16Arg (NM_001370534.1, NM_001370535.1, NM_001370536.1); c.-962A>G (NM_001370537.1); c.-585A>G (NM_001370539.1, NM_001370541.1); c.-839A>G (NM_001370542.1); c.-717A>G (NM_001370543.1); c.-317+3221A>G (NM_001370540.1); short protein forms H16R.
Identifiers: ClinVar variation 2781932 (VCV002781932.3), dbSNP rs769162333, ClinGen allele CA8169669.